The following is an entry in ClinVar:

ClinVar aggregate classification (germline): Pathogenic (1 of 4 stars; one submission).

Conditions:
Arrhythmogenic cardiomyopathy with wooly hair and keratoderma. Also called: Arrhythmogenic cardiomyopathy with woolly hair and keratoderma; PALMOPLANTAR KERATODERMA WITH LEFT VENTRICULAR CARDIOMYOPATHY AND WOOLLY HAIR; Carvajal syndrome; Dilated cardiomyopathy with woolly hair and keratoderma. Identifiers: Orphanet 65282, MedGen C1854063, MONDO:0011581, OMIM 605676.
Arrhythmogenic right ventricular dysplasia 8 (ARVD8). Also called: Arrhythmogenic Right Ventricular Dysplasia/Cardiomyopathy 8; ARRHYTHMOGENIC RIGHT VENTRICULAR DYSPLASIA, FAMILIAL, 8; ARRHYTHMOGENIC RIGHT VENTRICULAR CARDIOMYOPATHY 8. Identifiers: MedGen C1843896, MONDO:0011831, OMIM 607450.

Submission:

Labcorp Genetics (formerly Invitae), Labcorp
Classification: Pathogenic for Arrhythmogenic cardiomyopathy with wooly hair and keratoderma; Arrhythmogenic right ventricular dysplasia 8. Last evaluated: 2024-06-13. Review status: criteria provided, single submitter. Criteria: Invitae Variant Classification Sherloc (09022015). Collection method: clinical testing. Allele origin: germline.
Comment: This sequence change creates a premature translational stop signal (p.Tyr2490*) in the DSP gene. While this is not anticipated to result in nonsense mediated decay, it is expected to disrupt the last 382 amino acid(s) of the DSP protein. This variant is not present in population databases (gnomAD no frequency). This variant has not been reported in the literature in individuals affected with DSP-related conditions. This variant disrupts a region of the DSP protein in which other variant(s) (p.Gln2730Serfs*16 ) have been determined to be pathogenic (PMID: 27532257, 28527814; Invitae). This suggests that this is a clinically significant region of the protein, and that variants that disrupt it are likely to be disease-causing. For these reasons, this variant has been classified as Pathogenic.

Literature cited by the submitters: PubMed 27532257; PubMed 28527814.

NM_004415.4(DSP):c.7470T>G (p.Tyr2490Ter)

Gene: DSP (desmoplakin; plus strand). Cytogenetic location: 6p24.3.
Variant type: single nucleotide variant.
Coding change: c.7470T>G on transcript NM_004415.4 (MANE Select); coding-DNA position 7470, T replaced by G.
Protein change: p.Tyr2490Ter; replaces tyrosine 2490 with a stop codon.
Molecular consequence: nonsense.
Genome position (GRCh38, 1-based): chr6:7,584,732, T>G. VCF-style: chr6-7584732-T-G. GRCh37 (hg19) VCF-style: chr6-7584965-T-G.
Other names: c.5673T>G, p.Tyr1891Ter (NM_001008844.3); c.6141T>G, p.Tyr2047Ter (NM_001319034.2); short protein forms Y1891*, Y2047*, Y2490*.
Identifiers: ClinVar variation 3762803 (VCV003762803.2).